The following is an entry in ClinVar:

ClinVar aggregate classification (germline): Pathogenic. Review status: reviewed by expert panel (3 of 4 stars). 3 submissions from 3 submitters: Pathogenic (1). 2 of the submissions do not count toward it. Last evaluated 2016-10-18.

Conditions:
Hereditary breast ovarian cancer syndrome. Also called: Hereditary breast and ovarian cancer syndrome (HBOC); Breast and ovarian cancer; Hereditary breast and ovarian cancer syndrome; Hereditary breast and ovarian cancer; BRCA1- and BRCA2-Associated Hereditary Breast and Ovarian Cancer; Hereditary breast and/or ovarian cancer syndrome. Identifiers: Orphanet 145, MedGen C0677776, MeSH D061325, MONDO:0003582. Disease mechanism: loss of function.
Breast-ovarian cancer, familial, susceptibility to, 1 (BROVCA1). Also called: BRCA1 Hereditary Breast and Ovarian Cancer; OVARIAN CANCER, SUSCEPTIBILITY TO. Identifiers: Orphanet 145, MedGen C2676676, MONDO:0011450, OMIM 604370. Disease mechanism: loss of function.

Submissions (3):

Evidence-based Network for the Interpretation of Germline Mutant Alleles (ENIGMA)
Classification: Pathogenic for Breast-ovarian cancer, familial, susceptibility to, 1. Last evaluated: 2016-10-18. Review status: reviewed by expert panel. Criteria: ENIGMA BRCA1/2 Classification Criteria (2015). Collection method: curation. Allele origin: germline.
Comment: Variant allele predicted to encode a truncated non-functional protein.

Labcorp Genetics (formerly Invitae), Labcorp
Classification: Pathogenic for Hereditary breast ovarian cancer syndrome. Last evaluated: 2022-08-02. Review status: criteria provided, single submitter. Criteria: Invitae Variant Classification Sherloc (09022015). Collection method: clinical testing. Allele origin: germline. Not counted in ClinVar's aggregate classification.
Comment: ClinVar contains an entry for this variant (Variation ID: 266245). For these reasons, this variant has been classified as Pathogenic. This sequence change creates a premature translational stop signal (p.Ile769Metfs*21) in the BRCA1 gene. It is expected to result in an absent or disrupted protein product. Loss-of-function variants in BRCA1 are known to be pathogenic (PMID: 20104584). This variant is not present in population databases (gnomAD no frequency). This variant has not been reported in the literature in individuals affected with BRCA1-related conditions.

Consortium of Investigators of Modifiers of BRCA1/2 (CIMBA), c/o University of Cambridge
Classification: Pathogenic for Breast-ovarian cancer, familial, susceptibility to, 1. Last evaluated: 2015-10-02. Review status: criteria provided, single submitter. Criteria: CIMBA Mutation Classification guidelines May 2016. Collection method: clinical testing. Allele origin: germline. Not counted in ClinVar's aggregate classification.

Literature cited by the submitters: PubMed 20104584 (cited by Labcorp Genetics (formerly Invitae), Labcorp).

NM_007294.4(BRCA1):c.2307_2313del (p.Ile769fs)

Gene: BRCA1 (BRCA1 DNA repair associated; minus strand). Cytogenetic location: 17q21.31.
Variant type: Deletion.
Coding change: c.2307_2313del on transcript NM_007294.4 (MANE Select); coding-DNA positions 2307 to 2313, 7 bases deleted (TTCATTG; older notation c.2307_2313delTTCATTG).
Protein change: p.Ile769fs; shifts the reading frame from isoleucine 769.
Molecular consequence: frameshift variant. On other transcripts: intron variant (137).
Genome position (GRCh38, 1-based): chr17:43,093,218-43,093,224, CAATGAA deleted on the plus strand (TTCATTG on the coding strand, the reverse complement: BRCA1 is on the minus strand). VCF-style (leftmost placement, unchanged base first): chr17-43093217-CCAATGAA-C. GRCh37 (hg19) VCF-style: chr17-41245234-CCAATGAA-C.
Other names: 2426del7; c.2094_2100del, p.Ile698fs (NM_001407571.1, NM_001407853.1, NM_001407894.1 and 9 more transcripts); c.2307_2313del, p.Ile769fs (NM_001407581.1, NM_001407582.1, NM_001407583.1 and 30 more transcripts); c.2304_2310del, p.Ile768fs (NM_001407587.1, NM_001407590.1, NM_001407591.1 and 22 more transcripts); c.2298_2304del, p.Ile766fs (NM_001407646.1, NM_001407647.1); c.2184_2190del, p.Ile728fs (NM_001407648.1, NM_001407664.1, NM_001407665.1 and 19 more transcripts); c.2181_2187del, p.Ile727fs (NM_001407649.1, NM_001407670.1, NM_001407671.1 and 11 more transcripts); c.2229_2235del, p.Ile743fs (NM_001407653.1, NM_001407654.1, NM_001407655.1 and 4 more transcripts); and 43 more; short protein forms I722fs, I769fs, I601fs, I698fs, I699fs, I702fs, I728fs, I743fs.
Identifiers: ClinVar variation 266245 (VCV000266245.9), dbSNP rs886040022, ClinGen allele CA10589865.